The following is an entry in ClinVar:

ClinVar aggregate classification (germline): Benign. Review status: criteria provided, multiple submitters, no conflicts (2 of 4 stars). 2 submissions from 2 submitters: Benign (2). Last evaluated 2018-06-14.

Allele frequency attached by ClinVar (database versions not stated): gnomAD 0.01650 and 0.01756; 1000 Genomes Project 30x 0.01702; 1000 Genomes Project 0.01737; TOPMed 0.01907.
gnomAD v4.1: 5,454 of 1,407,754 alleles (0.39%); highest among the groups gnomAD compares: African/African-American, 5.7%; 149 homozygotes.

Submissions (2):

GeneDx
Classification: Benign. Last evaluated: 2018-06-14. Review status: criteria provided, single submitter. Criteria: GeneDx Variant Classification (06012015). Collection method: clinical testing. Allele origin: germline. Affected: yes.
Comment: This variant is considered likely benign or benign based on one or more of the following criteria: it is a conservative change, it occurs at a poorly conserved position in the protein, it is predicted to be benign by multiple in silico algorithms, and/or has population frequency not consistent with disease.

Breakthrough Genomics
Classification: Benign. Review status: criteria provided, single submitter. Criteria: ACMG Guidelines, 2015. Collection method: not provided. Allele origin: germline. Inheritance: Autosomal recessive inheritance. Affected: yes.

NM_001457.4(FLNB):c.6367+97C>T

Gene: FLNB (filamin B; plus strand). Cytogenetic location: 3p14.3.
Variant type: single nucleotide variant.
Coding change: c.6367+97C>T on transcript NM_001457.4 (MANE Select); 97 bases into the intron after coding-DNA position 6367, C replaced by T.
Molecular consequence: intron variant.
Genome position (GRCh38, 1-based): chr3:58,150,324, C>T. VCF-style: chr3-58150324-C-T. GRCh37 (hg19) VCF-style: chr3-58136051-C-T.
Other names: c.6460+97C>T (NM_001164317.2); c.6334+97C>T (NM_001164318.2); c.6295+97C>T (NM_001164319.2).
Identifiers: ClinVar variation 676004 (VCV000676004.2), dbSNP rs77315011, ClinGen allele CA11531946.